The following is an entry in ClinVar:

NM_001009999.3(KDM1A):c.440A>G (p.Lys147Arg)

Gene: KDM1A (lysine demethylase 1A; plus strand). Cytogenetic location: 1p36.12.
Variant type: single nucleotide variant.
Coding change: c.440A>G on transcript NM_001009999.3 (MANE Select); coding-DNA position 440, A replaced by G.
Protein change: p.Lys147Arg; replaces lysine 147 with arginine.
Molecular consequence: missense variant.
Genome position (GRCh38, 1-based): chr1:23,030,557, A>G. VCF-style: chr1-23030557-A-G. GRCh37 (hg19) VCF-style: chr1-23357050-A-G.
Other names: c.440A>G, p.Lys147Arg (NM_001363654.2, NM_001410762.1, NM_001410763.1 and 1 more transcripts); short protein forms K147R.
Identifiers: ClinVar variation 3532912 (VCV003532912.1).

ClinVar aggregate classification (germline): Uncertain significance (1 of 4 stars; one submission).

Conditions:
Inborn genetic diseases. Identifiers: MedGen C0950123, MeSH D030342.

Submission:

Ambry Genetics
Classification: Uncertain significance for Inborn genetic diseases. Last evaluated: 2024-11-22. Review status: criteria provided, single submitter. Criteria: Ambry Variant Classification Scheme 2023. Collection method: clinical testing. Allele origin: germline.
Comment: The p.K147R variant (also known as c.440A>G), located in coding exon 2 of the KDM1A gene, results from an A to G substitution at nucleotide position 440. The lysine at codon 147 is replaced by arginine, an amino acid with highly similar properties. This amino acid position is conserved. In addition, this alteration is predicted to be tolerated by in silico analysis. Based on the available evidence, the clinical significance of this variant remains unclear.